The following is an entry in ClinVar:

NM_138459.5(NUS1):c.437C>A (p.Ser146Tyr)

Gene: NUS1 (NUS1 dehydrodolichyl diphosphate synthase subunit; plus strand). Cytogenetic location: 6q22.1.
Variant type: single nucleotide variant.
Coding change: c.437C>A on transcript NM_138459.5 (MANE Select); coding-DNA position 437, C replaced by A.
Protein change: p.Ser146Tyr; replaces serine 146 with tyrosine.
Molecular consequence: missense variant.
Genome position (GRCh38, 1-based): chr6:117,693,063, C>A. VCF-style: chr6-117693063-C-A. GRCh37 (hg19) VCF-style: chr6-118014226-C-A.
Other names: c.437C>A (NM_138459.3); short protein forms S146Y.
Identifiers: ClinVar variation 2102115 (VCV002102115.5), dbSNP rs1231790695, ClinGen allele CA365536650.

ClinVar aggregate classification (germline): Uncertain significance. Review status: criteria provided, multiple submitters, no conflicts (2 of 4 stars). 2 submissions from 2 submitters: Uncertain significance (2). Last evaluated 2025-03-11.

Conditions:
Inborn genetic diseases. Identifiers: MedGen C0950123, MeSH D030342.
Congenital disorder of glycosylation, type Iaa. Also called: Congenital disorder of glycosylation, type 1aa. Identifiers: MedGen C4310727, MONDO:0014904, OMIM 617082.

Submissions (2):

Ambry Genetics
Classification: Uncertain significance for Inborn genetic diseases. Last evaluated: 2025-03-11. Review status: criteria provided, single submitter. Criteria: Ambry Variant Classification Scheme 2023. Collection method: clinical testing. Allele origin: germline.

Labcorp Genetics (formerly Invitae), Labcorp
Classification: Uncertain significance for Congenital disorder of glycosylation, type Iaa. Last evaluated: 2024-04-29. Review status: criteria provided, single submitter. Criteria: Invitae Variant Classification Sherloc (09022015). Collection method: clinical testing. Allele origin: germline.
Comment: This sequence change replaces serine, which is neutral and polar, with tyrosine, which is neutral and polar, at codon 146 of the NUS1 protein (p.Ser146Tyr). This variant is not present in population databases (gnomAD no frequency). This variant has not been reported in the literature in individuals affected with NUS1-related conditions. ClinVar contains an entry for this variant (Variation ID: 2102115). An algorithm developed to predict the effect of missense changes on protein structure and function (PolyPhen-2) suggests that this variant is likely to be disruptive. In summary, the available evidence is currently insufficient to determine the role of this variant in disease. Therefore, it has been classified as a Variant of Uncertain Significance.